The following is an entry in ClinVar:

ClinVar aggregate classification (germline): Pathogenic (3 of 4 stars; one submission).

Conditions:
Breast-ovarian cancer, familial, susceptibility to, 2 (BROVCA2). Also called: BRCA2 Hereditary Breast and Ovarian Cancer. Identifiers: Orphanet 145, MedGen C2675520, MONDO:0012933, OMIM 612555. Disease mechanism: loss of function.

Submission:

Evidence-based Network for the Interpretation of Germline Mutant Alleles (ENIGMA)
Classification: Pathogenic for Breast-ovarian cancer, familial, susceptibility to, 2. Last evaluated: 2016-10-18. Review status: reviewed by expert panel. Criteria: ENIGMA BRCA1/2 Classification Criteria (2015). Collection method: curation. Allele origin: germline.
Comment: Variant allele predicted to encode a truncated non-functional protein.

NM_000059.4(BRCA2):c.5380del (p.Asn1793_Val1794insTer)

Gene: BRCA2 (BRCA2 DNA repair associated; plus strand). Cytogenetic location: 13q13.1.
Variant type: Deletion.
Coding change: c.5380del on transcript NM_000059.4 (MANE Select); coding-DNA position 5380, one base deleted (G; older notation c.5380delG).
Protein change: p.Asn1793_Val1794insTer.
Molecular consequence: nonsense.
Genome position (GRCh38, 1-based): chr13:32,339,735, G deleted. VCF-style (leftmost placement, unchanged base first): chr13-32339734-TG-T. GRCh37 (hg19) VCF-style: chr13-32913871-TG-T.
Other names: 5608delG; c.5380delG (NM_000059.3).
Identifiers: ClinVar variation 51848 (VCV000051848.5), dbSNP rs397507782, ClinGen allele CA022173.